The following is an entry in ClinVar:

NM_005898.5(CAPRIN1):c.835C>G (p.Pro279Ala)

Gene: CAPRIN1 (cell cycle associated protein 1; plus strand). Cytogenetic location: 11p13.
Variant type: single nucleotide variant.
Coding change: c.835C>G on transcript NM_005898.5 (MANE Select); coding-DNA position 835, C replaced by G.
Protein change: p.Pro279Ala; replaces proline 279 with alanine.
Molecular consequence: missense variant.
Genome position (GRCh38, 1-based): chr11:34,082,833, C>G. VCF-style: chr11-34082833-C-G. GRCh37 (hg19) VCF-style: chr11-34104380-C-G.
Other names: c.835C>G, p.Pro279Ala (NM_203364.3); short protein forms P279A.
Identifiers: ClinVar variation 4851684 (VCV004851684.1).

ClinVar aggregate classification (germline): Uncertain significance (1 of 4 stars; one submission).

Submission:

Greenwood Genetic Center Diagnostic Laboratories, Greenwood Genetic Center
Classification: Uncertain significance. Last evaluated: 2025-02-24. Review status: criteria provided, single submitter. Criteria: ACMG Guidelines, 2015. Collection method: clinical testing. Allele origin: germline.
Comment: PM2, BP4